The following is an entry in ClinVar:

NM_000350.3(ABCA4):c.3759G>A (p.Thr1253=)

Genes: ABCA4 (ATP binding cassette subfamily A member 4; minus strand), LOC126805794 (BRD4-independent group 4 enhancer GRCh37_chr1:94502188-94503387; plus strand). Cytogenetic location: 1p22.1.
Variant type: single nucleotide variant.
Coding change: c.3759G>A on transcript NM_000350.3 (MANE Select); coding-DNA position 3759, G replaced by A.
Protein change: p.Thr1253=; no amino-acid change (threonine 1253 retained).
Molecular consequence: synonymous variant.
Genome position (GRCh38, 1-based): chr1:94,037,199, C>T on the plus strand (G>A on the coding strand, the complement: ABCA4 is on the minus strand). VCF-style: chr1-94037199-C-T. GRCh37 (hg19) VCF-style: chr1-94502755-C-T.
Other names: p.T1253T:ACG>ACA; c.3537G>A, p.Thr1179= (NM_001425324.1).
Identifiers: ClinVar variation 136241 (VCV000136241.25), dbSNP rs147884766, ClinGen allele CA289219.

ClinVar aggregate classification (germline): Conflicting classifications of pathogenicity. Review status: criteria provided, conflicting classifications (1 of 4 stars). 7 submissions from 7 submitters: Uncertain significance (2); Benign (2); Likely benign (1). 2 of the submissions do not count toward it. Last evaluated 2026-01-05.

Conditions:
ABCA4-related disorder. Also called: ABCA4-related condition; ABCA4-related disorders. Identifiers: MedGen CN239167.

Allele frequency attached by ClinVar (database versions not stated): gnomAD 0.00171 and 0.00183; ESP Exome Variant Server 0.00177; 1000 Genomes Project 30x 0.00187; TOPMed 0.00202; ExAC 0.00061; 1000 Genomes Project 0.00160.
gnomAD v4.1: 689 of 1,614,228 alleles (0.043%); highest among the groups gnomAD compares: African/African-American, 0.57%; 2 homozygotes.

Submissions (7):

Labcorp Genetics (formerly Invitae), Labcorp
Classification: Benign. Last evaluated: 2026-01-05. Review status: criteria provided, single submitter. Criteria: Invitae Variant Classification Sherloc (09022015). Collection method: clinical testing. Allele origin: germline.

Blueprint Genetics
Classification: Likely benign. Last evaluated: 2024-07-17. Review status: criteria provided, single submitter. Criteria: ACMG Guidelines, 2015. Collection method: clinical testing. Allele origin: germline.

Illumina Laboratory Services, Illumina
Classification: Uncertain significance for ABCA4-Related Disorders. Last evaluated: 2018-01-13. Review status: criteria provided, single submitter. Criteria: ICSL Variant Classification Criteria 13 December 2019. Collection method: clinical testing. Allele origin: germline.

Eurofins Ntd Llc (ga)
Classification: Uncertain significance. Last evaluated: 2016-05-25. Review status: criteria provided, single submitter. Criteria: EGL Classification Definitions 2015. Collection method: clinical testing. Allele origin: germline. Observed: 1 variant allele, 1 heterozygote.

GeneDx
Classification: Benign. Last evaluated: 2012-04-26. Review status: criteria provided, single submitter. Criteria: GeneDx Variant Classification (06012015). Collection method: clinical testing. Allele origin: germline. Affected: yes.
Comment: This variant is considered likely benign or benign based on one or more of the following criteria: it is a conservative change, it occurs at a poorly conserved position in the protein, it is predicted to be benign by multiple in silico algorithms, and/or has population frequency not consistent with disease.

Clinical Genetics DNA and cytogenetics Diagnostics Lab, Erasmus MC, Erasmus Medical Center
Classification: Likely benign. Review status: no assertion criteria provided. Collection method: clinical testing. Allele origin: germline. Affected: yes. Study: VKGL Data-share Consensus. Not counted in ClinVar's aggregate classification.

Clinical Genetics, Academic Medical Center
Classification: Likely benign. Review status: no assertion criteria provided. Collection method: clinical testing. Allele origin: germline. Affected: yes. Study: VKGL Data-share Consensus. Not counted in ClinVar's aggregate classification.